The following is an entry in ClinVar:

ClinVar aggregate classification (germline): Uncertain significance (1 of 4 stars; one submission).

Conditions:
Hyperekplexia 2 (HKPX2). Identifiers: Orphanet 3197, MedGen C3553291, MONDO:0013828, OMIM 614619.

Allele frequency attached by ClinVar (database versions not stated): TOPMed below 0.00001; gnomAD 0.00001; gnomAD exomes 0.00001.
gnomAD v4.1: 10 of 1,612,838 alleles (0.00062%); highest among the groups gnomAD compares: Non-Finnish European, 0.00068%; no homozygotes.

Submission:

Labcorp Genetics (formerly Invitae), Labcorp
Classification: Uncertain significance for Hyperekplexia 2. Last evaluated: 2022-06-13. Review status: criteria provided, single submitter. Criteria: Invitae Variant Classification Sherloc (09022015). Collection method: clinical testing. Allele origin: germline.
Comment: This sequence change replaces isoleucine, which is neutral and non-polar, with phenylalanine, which is neutral and non-polar, at codon 161 of the GLRB protein (p.Ile161Phe). This variant is present in population databases (no rsID available, gnomAD 0.002%). This variant has not been reported in the literature in individuals affected with GLRB-related conditions. Algorithms developed to predict the effect of missense changes on protein structure and function are either unavailable or do not agree on the potential impact of this missense change (SIFT: "Deleterious"; PolyPhen-2: "Probably Damaging"; Align-GVGD: "Class C15"). In summary, the available evidence is currently insufficient to determine the role of this variant in disease. Therefore, it has been classified as a Variant of Uncertain Significance.

NM_000824.5(GLRB):c.481A>T (p.Ile161Phe)

Gene: GLRB (glycine receptor beta; plus strand). Cytogenetic location: 4q32.1.
Variant type: single nucleotide variant.
Coding change: c.481A>T on transcript NM_000824.5 (MANE Select); coding-DNA position 481, A replaced by T.
Protein change: p.Ile161Phe; replaces isoleucine 161 with phenylalanine.
Molecular consequence: missense variant.
Genome position (GRCh38, 1-based): chr4:157,136,652, A>T. VCF-style: chr4-157136652-A-T. GRCh37 (hg19) VCF-style: chr4-158057804-A-T.
Other names: c.481A>T, p.Ile161Phe (NM_001166060.2, NM_001166061.2); short protein forms I161F.
Identifiers: ClinVar variation 1407191 (VCV001407191.3), dbSNP rs1306303890, ClinGen allele CA358642686.